The following is an entry in ClinVar:

NM_207122.2(EXT2):c.2091C>A (p.Asp697Glu)

Gene: EXT2 (exostosin glycosyltransferase 2; plus strand). Cytogenetic location: 11p11.2.
Variant type: single nucleotide variant.
Coding change: c.2091C>A on transcript NM_207122.2 (MANE Select); coding-DNA position 2091, C replaced by A.
Protein change: p.Asp697Glu; replaces aspartic acid 697 with glutamic acid.
Molecular consequence: missense variant.
Genome position (GRCh38, 1-based): chr11:44,244,221, C>A. VCF-style: chr11-44244221-C-A. GRCh37 (hg19) VCF-style: chr11-44265771-C-A.
Other names: c.2190C>A, p.Asp730Glu (NM_000401.3); c.2121C>A, p.Asp707Glu (NM_001178083.3); c.2091C>A, p.Asp697Glu (NM_001389628.1, NM_001389630.1); short protein forms D697E, D707E, D730E.
Identifiers: ClinVar variation 3376050 (VCV003376050.1).

ClinVar aggregate classification (germline): Uncertain significance (1 of 4 stars; one submission).

Submission:

GeneDx
Classification: Uncertain significance. Last evaluated: 2024-05-07. Review status: criteria provided, single submitter. Criteria: GeneDx Variant Classification Process June 2021. Collection method: clinical testing. Allele origin: germline. Affected: yes.
Comment: Not observed at significant frequency in large population cohorts (gnomAD); In silico analysis supports that this missense variant has a deleterious effect on protein structure/function; Has not been previously published as pathogenic or benign to our knowledge.